The following is an entry in ClinVar:

NM_000535.7(PMS2):c.538-8T>C

Gene: PMS2 (PMS1 homolog 2, mismatch repair system component; minus strand). Cytogenetic location: 7p22.1.
Variant type: single nucleotide variant.
Coding change: c.538-8T>C on transcript NM_000535.7 (MANE Select); 8 bases into the intron before coding-DNA position 538, T replaced by C.
Molecular consequence: intron variant.
Genome position (GRCh38, 1-based): chr7:5,999,283, A>G on the plus strand (T>C on the coding strand, the complement: PMS2 is on the minus strand). VCF-style: chr7-5999283-A-G. GRCh37 (hg19) VCF-style: chr7-6038914-A-G.
Other names: c.220-8T>C (NM_001322008.2, NM_001322007.2); c.133-8T>C (NM_001322010.2, NM_001322004.2, NM_001322003.2 and 2 more transcripts); c.133-1860T>C (NM_001322013.2); c.-347-57T>C (NM_001322012.2, NM_001322011.2); c.229-8T>C (NM_001322015.2); c.538-8T>C (NM_001322006.2, NM_001322014.2).
Identifiers: ClinVar variation 492284 (VCV000492284.17), dbSNP rs922948916, ClinGen allele CA153242121.

ClinVar aggregate classification (germline): Conflicting classifications of pathogenicity. Review status: criteria provided, conflicting classifications (1 of 4 stars). 5 submissions from 5 submitters: Uncertain significance (1); Benign (1); Likely benign (3). Last evaluated 2025-12-01.

Conditions:
Lynch syndrome 4 (LYNCH4). Also called: Hereditary non-polyposis colorectal cancer, type 4; Colorectal cancer, hereditary nonpolyposis, type 4. Identifiers: Orphanet 144, MedGen C1838333, MONDO:0013699, OMIM 614337. Disease mechanism: loss of function.
Hereditary nonpolyposis colorectal neoplasms. Identifiers: MedGen C0009405, MeSH D003123.
Hereditary cancer-predisposing syndrome. Also called: Tumor predisposition; Hereditary neoplastic syndrome; Neoplastic Syndromes, Hereditary; Hereditary Cancer Syndrome. Identifiers: Orphanet 140162, MedGen C0027672, MeSH D009386, MONDO:0015356.

Submissions (5):

Dasa
Classification: Uncertain significance. Last evaluated: 2025-12-01. Review status: criteria provided, single submitter. Criteria: DASA Assertion Criteria. Collection method: clinical testing. Allele origin: germline.
Comment: NM_000535.7(PMS2):c.538-8T>C is a splice-region variant. This variant is rare in population databases. Computational prediction algorithms are consistent with a benign effect. The currently available literature and clinical evidence are not sufficient to establish a definitive association between this variant and the reported condition. Therefore, this variant is classified as a variant of uncertain significance.

Labcorp Genetics (formerly Invitae), Labcorp
Classification: Likely benign for Hereditary nonpolyposis colorectal neoplasms. Last evaluated: 2025-08-15. Review status: criteria provided, single submitter. Criteria: Invitae Variant Classification Sherloc (09022015). Collection method: clinical testing. Allele origin: germline.

Myriad Genetics, Inc.
Classification: Benign for Lynch syndrome 4. Last evaluated: 2025-01-27. Review status: criteria provided, single submitter. Criteria: Myriad Autosomal Dominant, Autosomal Recessive and X-Linked Classification Criteria (2023). Collection method: clinical testing. Allele origin: unknown.
Comment: This variant is considered benign. This variant is intronic and is not expected to impact mRNA splicing. Homozygosity for this variant has been confirmed in one or more individuals lacking clinical features consistent with gene-specific recessive disease, indicating that this variant is unlikely to be pathogenic.

Mendelics
Classification: Likely benign for Lynch syndrome 4. Last evaluated: 2019-05-28. Review status: criteria provided, single submitter. Criteria: Mendelics Assertion Criteria 2017. Collection method: clinical testing. Allele origin: unknown.

Color Diagnostics, LLC DBA Color Health
Classification: Likely benign for Hereditary cancer-predisposing syndrome. Last evaluated: 2017-09-20. Review status: criteria provided, single submitter. Criteria: ACMG Guidelines, 2015. Collection method: clinical testing. Allele origin: germline.